The following is an entry in ClinVar:

NM_001127208.3(TET2):c.2324T>C (p.Phe775Ser)

Genes: TET2 (tet methylcytosine dioxygenase 2; plus strand), TET2-AS1 (TET2 antisense RNA 1; minus strand). Cytogenetic location: 4q24.
Variant type: single nucleotide variant.
Coding change: c.2324T>C on transcript NM_001127208.3 (MANE Select); coding-DNA position 2324, T replaced by C.
Protein change: p.Phe775Ser; replaces phenylalanine 775 with serine.
Molecular consequence: missense variant.
Genome position (GRCh38, 1-based): chr4:105,236,266, T>C. VCF-style: chr4-105236266-T-C. GRCh37 (hg19) VCF-style: chr4-106157423-T-C.
Other names: c.2324T>C, p.Phe775Ser (NM_017628.4); short protein forms F775S.
Identifiers: ClinVar variation 5030689 (VCV005030689.1).
Genomic context (GRCh38, chr4:105,236,266, plus strand): 5'-AAATACTCCAGACTTTTCCTCACCCCCAAAGCAACAATGATCAGCAAAGAGAAGGATCAT[T>C]CTTTGGCCAGACTAAAGTGGAAGAATGTTTTCATGGTGAAAATCAGTATTCAAAATCAAG-3'
Protein context (NP_001120680.1, residues 765-785): SNNDQQREGS[Phe775Ser]FGQTKVEECF

ClinVar aggregate classification (germline): Uncertain significance (1 of 4 stars; one submission).

gnomAD v4.1: 1 of 1,614,104 alleles (0.000062%); highest among the groups gnomAD compares: South Asian, 0.0011%; no homozygotes.

Submission:

Ambry Genetics
Classification: Uncertain significance. Last evaluated: 2026-06-28. Review status: criteria provided, single submitter. Criteria: Ambry Variant Classification Scheme 2023. Collection method: clinical testing. Allele origin: germline.
Comment: The p.F775S variant (also known as c.2324T>C), located in coding exon 1 of the TET2 gene, results from a T to C substitution at nucleotide position 2324. The phenylalanine at codon 775 is replaced by serine, an amino acid with highly dissimilar properties. This amino acid position is conserved. In addition, this alteration is predicted to be tolerated by in silico analysis. Based on the available evidence, the clinical significance of this variant remains unclear.